The following is an entry in ClinVar:

ClinVar aggregate classification (germline): Benign/Likely benign. Review status: criteria provided, multiple submitters, no conflicts (2 of 4 stars). 7 submissions from 7 submitters: Benign (5); Likely benign (1). 1 of the submissions does not count toward it. Last evaluated 2026-04-15.

Conditions:
H syndrome. Also called: Hyperpigmentation, Cutaneous, with Hypertrichosis, Hepatosplenomegaly, Heart Anomalies, Hearing Loss, and Hypogonadism; Histiocytosis-lymphadenopathy plus syndrome; FAISALABAD HISTIOCYTOSIS; HISTIOCYTOSIS AND LYMPHADENOPATHY WITH OR WITHOUT CUTANEOUS, CARDIAC, AND/OR ENDOCRINE FEATURES, JOINT CONTRACTURES, AND/OR DEAFNESS; HYPERPIGMENTATION, CUTANEOUS, WITH HYPERTRICHOSIS, HEPATOSPLENOMEGALY, HEART ANOMALIES, AND HYPOGONADISM WITH OR WITHOUT HEARING LOSS; PIGMENTED HYPERTRICHOSIS WITH INSULIN-DEPENDENT DIABETES MELLITUS. Identifiers: Orphanet 168569, MedGen C1864445, MONDO:0011273, OMIM 602782.
SLC29A3-related disorder. Also called: SLC29A3-related condition.

Allele frequency attached by ClinVar (database versions not stated): ESP Exome Variant Server 0.00046; gnomAD 0.00190 and 0.00272; gnomAD exomes 0.00272 and 0.00573; TOPMed 0.00331; ExAC 0.00554; 1000 Genomes Project 30x 0.01046; 1000 Genomes Project 0.01198.
gnomAD v4.1: 4,327 of 1,609,496 alleles (0.27%); highest among the groups gnomAD compares: East Asian, 7.6%; 173 homozygotes.

Submissions (9):

Women's Health and Genetics/Laboratory Corporation of America, LabCorp
Classification: Benign. Last evaluated: 2026-04-15. Review status: criteria provided, single submitter. Criteria: LabCorp Variant Classification Summary - May 2015. Collection method: clinical testing. Allele origin: germline.

Labcorp Genetics (formerly Invitae), Labcorp
Classification: Benign for H syndrome. Last evaluated: 2026-02-03. Review status: criteria provided, single submitter. Criteria: Invitae Variant Classification Sherloc (09022015). Collection method: clinical testing. Allele origin: germline.

Blueprint Genetics
Classification: Likely benign. Last evaluated: 2024-11-27. Review status: criteria provided, single submitter. Criteria: ACMG Guidelines, 2015. Collection method: clinical testing. Allele origin: germline.

Mayo Clinic Laboratories, Mayo Clinic
Classification: Benign. Last evaluated: 2022-09-06. Review status: criteria provided, single submitter. Criteria: ACMG Guidelines, 2015. Collection method: clinical testing. Allele origin: germline. Observed: 3 variant alleles.

Illumina Laboratory Services, Illumina
Classification: Benign for H syndrome. Last evaluated: 2018-01-12. Review status: criteria provided, single submitter. Criteria: ICSL Variant Classification Criteria 13 December 2019. Collection method: clinical testing. Allele origin: germline.
Comment: This variant was observed in the ICSL laboratory as part of a predisposition screen in an ostensibly healthy population. It had not been previously curated by ICSL or reported in the Human Gene Mutation Database (HGMD: prior to June 1st, 2018), and was therefore a candidate for classification through an automated scoring system. Utilizing variant allele frequency, disease prevalence and penetrance estimates, and inheritance mode, an automated score was calculated to assess if this variant is too frequent to cause the disease. Based on the score and internal cut-off values, a variant classified as benign is not then subjected to further curation. The score for this variant resulted in a classification of benign for this disease.

Breakthrough Genomics
Classification: Benign. Review status: criteria provided, single submitter. Criteria: ACMG Guidelines, 2015. Collection method: not provided. Allele origin: germline. Inheritance: Autosomal recessive inheritance. Affected: yes.

PreventionGenetics, part of Exact Sciences
Classification: Benign for SLC29A3-related condition. Last evaluated: 2019-03-13. Review status: no assertion criteria provided. Collection method: clinical testing. Allele origin: germline. Not counted in ClinVar's aggregate classification.
Comment: This variant is classified as benign based on ACMG/AMP sequence variant interpretation guidelines (Richards et al. 2015 PMID: 25741868, with internal and published modifications).

Dr. Peter K. Rogan Lab, Western University
No classification provided (evidence only). Condition: Sarcoma. Review status: no classification provided. Collection method: in vitro. Allele origin: not applicable. Functional consequence: retained intron. Not counted in ClinVar's aggregate classification.

Dr. Peter K. Rogan Lab, Western University
No classification provided (evidence only). Condition: Gastric cancer. Review status: no classification provided. Collection method: in vitro. Allele origin: not applicable. Functional consequence: skipped exon. Not counted in ClinVar's aggregate classification.

NM_018344.6(SLC29A3):c.383+6C>T

Genes: SLC29A3 (solute carrier family 29 member 3; plus strand), LOC105378353 (uncharacterized LOC105378353; minus strand). Cytogenetic location: 10q22.1.
Variant type: single nucleotide variant.
Coding change: c.383+6C>T on transcript NM_018344.6 (MANE Select); 6 bases into the intron after coding-DNA position 383, C replaced by T.
Molecular consequence: intron variant.
Genome position (GRCh38, 1-based): chr10:71,344,297, C>T. VCF-style: chr10-71344297-C-T. GRCh37 (hg19) VCF-style: chr10-73104054-C-T.
Other names: p.?; c.149+6C>T (NM_001363518.2); c.383+6C>T (NM_001174098.2).
Identifiers: ClinVar variation 300358 (VCV000300358.22), dbSNP rs77626641, ClinGen allele CA5542907.